The following is an entry in ClinVar:

ClinVar aggregate classification (germline): Uncertain significance (1 of 4 stars; one submission).

gnomAD v4.1: 20 of 1,551,540 alleles (0.0013%); highest among the groups gnomAD compares: African/African-American, 0.0041%; no homozygotes.

Submission:

Labcorp Genetics (formerly Invitae), Labcorp
Classification: Uncertain significance. Last evaluated: 2022-06-16. Review status: criteria provided, single submitter. Criteria: Invitae Variant Classification Sherloc (09022015). Collection method: clinical testing. Allele origin: germline.
Comment: This sequence change replaces arginine, which is basic and polar, with tryptophan, which is neutral and slightly polar, at codon 2486 of the UNC80 protein (p.Arg2486Trp). This variant is present in population databases (no rsID available, gnomAD 0.01%). This variant has not been reported in the literature in individuals affected with UNC80-related conditions. Algorithms developed to predict the effect of missense changes on protein structure and function are either unavailable or do not agree on the potential impact of this missense change (SIFT: "Not Available"; PolyPhen-2: "Probably Damaging"; Align-GVGD: "Not Available"). In summary, the available evidence is currently insufficient to determine the role of this variant in disease. Therefore, it has been classified as a Variant of Uncertain Significance.

NM_001371986.1(UNC80):c.7654C>T (p.Arg2552Trp)

Gene: UNC80 (unc-80 homolog, NALCN channel complex subunit; plus strand). Cytogenetic location: 2q34.
Variant type: single nucleotide variant.
Coding change: c.7654C>T on transcript NM_001371986.1 (MANE Select); coding-DNA position 7654, C replaced by T.
Protein change: p.Arg2552Trp; replaces arginine 2552 with tryptophan.
Molecular consequence: missense variant.
Genome position (GRCh38, 1-based): chr2:209,959,556, C>T. VCF-style: chr2-209959556-C-T. GRCh37 (hg19) VCF-style: chr2-210824280-C-T.
Other names: c.7456C>T, p.Arg2486Trp (NM_032504.2); c.7441C>T, p.Arg2481Trp (NM_182587.4); short protein forms R2481W, R2486W, R2552W.
Identifiers: ClinVar variation 1936088 (VCV001936088.2), dbSNP rs1402034536, ClinGen allele CA350776747.